The following is an entry in ClinVar:

ClinVar aggregate classification (germline): Uncertain significance (1 of 4 stars; one submission).

Conditions:
Cardiovascular phenotype. Identifiers: MedGen CN230736.

Allele frequency attached by ClinVar (database versions not stated): gnomAD exomes below 0.00001.
gnomAD v4.1: 1 of 1,293,146 alleles (0.000077%); highest among the groups gnomAD compares: Non-Finnish European, 0.000098%; no homozygotes.

Submission:

Ambry Genetics
Classification: Uncertain significance for Cardiovascular phenotype. Last evaluated: 2025-03-18. Review status: criteria provided, single submitter. Criteria: Ambry Variant Classification Scheme 2023. Collection method: clinical testing. Allele origin: germline.
Comment: The p.A118V variant (also known as c.353C>T), located in coding exon 1 of the GATA4 gene, results from a C to T substitution at nucleotide position 353. The alanine at codon 118 is replaced by valine, an amino acid with similar properties. This amino acid position is conserved. In addition, the in silico prediction for this alteration is inconclusive. Since supporting evidence is limited at this time, the clinical significance of this alteration remains unclear.

NM_001308093.3(GATA4):c.353C>T (p.Ala118Val)

Gene: GATA4 (GATA binding protein 4). Cytogenetic location: 8p23.1.
Variant type: single nucleotide variant.
Coding change: c.353C>T on transcript NM_001308093.3 (MANE Select); coding-DNA position 353, C replaced by T.
Protein change: p.Ala118Val; replaces alanine 118 with valine.
Molecular consequence: missense variant. On other transcripts: intron variant (3).
Genome position (GRCh38, 1-based): chr8:11,708,665, C>T. VCF-style: chr8-11708665-C-T. GRCh37 (hg19) VCF-style: chr8-11566174-C-T.
Other names: c.353C>T, p.Ala118Val (NM_002052.5); c.-6+7887C>T (NM_001308094.2); c.-3+651C>T (NM_001374274.1); c.-3+4361C>T (NM_001374273.1); short protein forms A118V.
Identifiers: ClinVar variation 1732448 (VCV001732448.3), dbSNP rs773669971, ClinGen allele CA4630624.
Genomic context (GRCh38, chr8:11,708,665, plus strand): 5'-CTTACACCCCGCCGCCGGTGTCGCCGCGCTTCTCCTTCCCGGGGACCACCGGGTCCCTGG[C>T]GGCCGCCGCCGCCGCTGCCGCGGCCCGGGAAGCTGCGGCCTACAGCAGTGGCGGCGGAGC-3'
Protein context (NP_001295022.1, residues 108-128): FSFPGTTGSL[Ala118Val]AAAAAAAARE